The following is an entry in ClinVar:

NM_022489.4(INF2):c.3271C>T (p.Pro1091Ser)

Gene: INF2 (inverted formin 2; plus strand). Cytogenetic location: 14q32.33.
Variant type: single nucleotide variant.
Coding change: c.3271C>T on transcript NM_022489.4 (MANE Select); coding-DNA position 3271, C replaced by T.
Protein change: p.Pro1091Ser; replaces proline 1091 with serine.
Molecular consequence: missense variant.
Genome position (GRCh38, 1-based): chr14:104,714,433, C>T. VCF-style: chr14-104714433-C-T. GRCh37 (hg19) VCF-style: chr14-105180770-C-T.
Other names: c.3271C>T, p.Pro1091Ser (NM_001031714.4); short protein forms P1091S.
Identifiers: ClinVar variation 2116792 (VCV002116792.4), dbSNP rs376315431, ClinGen allele CA7373220.

ClinVar aggregate classification (germline): Uncertain significance (1 of 4 stars; one submission).

Conditions:
Focal segmental glomerulosclerosis 5 (FSGS5). Identifiers: Orphanet 656, MedGen C2750475, MONDO:0013191, OMIM 613237.
Charcot-Marie-Tooth disease dominant intermediate E. Also called: CHARCOT-MARIE-TOOTH NEUROPATHY WITH FOCAL SEGMENTAL GLOMERULONEPHRITIS. Identifiers: Orphanet 93114, MedGen C4302667, MONDO:0013758, OMIM 614455.

Allele frequency attached by ClinVar (database versions not stated): gnomAD exomes below 0.00001; TOPMed below 0.00001; ExAC 0.00001.
gnomAD v4.1: 1 of 1,609,812 alleles (0.000062%); highest among the groups gnomAD compares: Non-Finnish European, 0.000085%; no homozygotes.

Submission:

Labcorp Genetics (formerly Invitae), Labcorp
Classification: Uncertain significance for Charcot-Marie-Tooth disease dominant intermediate E; Focal segmental glomerulosclerosis 5. Last evaluated: 2022-03-25. Review status: criteria provided, single submitter. Criteria: Invitae Variant Classification Sherloc (09022015). Collection method: clinical testing. Allele origin: germline.
Comment: This sequence change replaces proline, which is neutral and non-polar, with serine, which is neutral and polar, at codon 1091 of the INF2 protein (p.Pro1091Ser). This variant is present in population databases (rs376315431, gnomAD 0.006%). This variant has not been reported in the literature in individuals affected with INF2-related conditions. Algorithms developed to predict the effect of missense changes on protein structure and function output the following: SIFT: "Tolerated"; PolyPhen-2: "Not Available"; Align-GVGD: "Class C0". The serine amino acid residue is found in multiple mammalian species, which suggests that this missense change does not adversely affect protein function. In summary, the available evidence is currently insufficient to determine the role of this variant in disease. Therefore, it has been classified as a Variant of Uncertain Significance.